The following is an entry in ClinVar:

NM_001163435.3(TBCK):c.427C>T (p.His143Tyr)

Gene: TBCK (TBC1 domain containing kinase; minus strand). Cytogenetic location: 4q24.
Variant type: single nucleotide variant.
Coding change: c.427C>T on transcript NM_001163435.3 (MANE Select); coding-DNA position 427, C replaced by T.
Protein change: p.His143Tyr; replaces histidine 143 with tyrosine.
Molecular consequence: missense variant. On other transcripts: 5 prime UTR variant (1), intron variant (1).
Genome position (GRCh38, 1-based): chr4:106,260,465, G>A on the plus strand (C>T on the coding strand, the complement: TBCK is on the minus strand). VCF-style: chr4-106260465-G-A. GRCh37 (hg19) VCF-style: chr4-107181622-G-A.
Other names: c.427C>T, p.His143Tyr (NM_001163436.4, NM_001163437.3); c.-191C>T (NM_001290768.2); c.267-8458C>T (NM_033115.5); short protein forms H143Y.
Identifiers: ClinVar variation 1393998 (VCV001393998.3), dbSNP rs1363077813, ClinGen allele CA357970024.

ClinVar aggregate classification (germline): Uncertain significance (1 of 4 stars; one submission).

Allele frequency attached by ClinVar (database versions not stated): gnomAD exomes 0.00001 and 0.00002.
gnomAD v4.1: 21 of 1,399,860 alleles (0.0015%); highest among the groups gnomAD compares: Non-Finnish European, 0.002%; no homozygotes.

Submission:

Labcorp Genetics (formerly Invitae), Labcorp
Classification: Uncertain significance. Last evaluated: 2022-01-26. Review status: criteria provided, single submitter. Criteria: Invitae Variant Classification Sherloc (09022015). Collection method: clinical testing. Allele origin: germline.
Comment: This sequence change replaces histidine, which is basic and polar, with tyrosine, which is neutral and polar, at codon 143 of the TBCK protein (p.His143Tyr). The frequency data for this variant in the population databases is considered unreliable, as metrics indicate poor data quality at this position in the gnomAD database. This variant has not been reported in the literature in individuals affected with TBCK-related conditions. Algorithms developed to predict the effect of missense changes on protein structure and function output the following: SIFT: "Tolerated"; PolyPhen-2: "Benign"; Align-GVGD: "Class C0". The tyrosine amino acid residue is found in multiple mammalian species, which suggests that this missense change does not adversely affect protein function. In summary, the available evidence is currently insufficient to determine the role of this variant in disease. Therefore, it has been classified as a Variant of Uncertain Significance.